The following is an entry in ClinVar:

ClinVar aggregate classification (germline): Uncertain significance (1 of 4 stars; one submission).

Conditions:
Hypoplastic enamel-onycholysis-hypohidrosis syndrome (TNS). Also called: Tooth-and-Nail Syndrome; ECTODERMAL DYSPLASIA 3, WITKOP TYPE; ECTODERMAL DYSPLASIA 3, TOOTH/NAIL TYPE; WITKOP SYNDROME; NAIL DYSPLASIA WITH HYPODONTIA. Identifiers: Orphanet 2228, MedGen C0406735, MONDO:0008582, OMIM 189500.

Submission:

Labcorp Genetics (formerly Invitae), Labcorp
Classification: Uncertain significance for Hypoplastic enamel-onycholysis-hypohidrosis syndrome. Last evaluated: 2025-01-15. Review status: criteria provided, single submitter. Criteria: Invitae Variant Classification Sherloc (09022015). Collection method: clinical testing. Allele origin: germline.
Comment: This sequence change replaces alanine, which is neutral and non-polar, with glutamic acid, which is acidic and polar, at codon 266 of the MSX1 protein (p.Ala266Glu). This variant is present in population databases (rs371178224, gnomAD 0.003%). This variant has not been reported in the literature in individuals affected with MSX1-related conditions. An algorithm developed to predict the effect of missense changes on protein structure and function (PolyPhen-2) suggests that this variant is likely to be tolerated. In summary, the available evidence is currently insufficient to determine the role of this variant in disease. Therefore, it has been classified as a Variant of Uncertain Significance.

NM_002448.3(MSX1):c.797C>A (p.Ala266Glu)

Gene: MSX1 (msh homeobox 1; plus strand). Cytogenetic location: 4p16.2.
Variant type: single nucleotide variant.
Coding change: c.797C>A on transcript NM_002448.3 (MANE Select); coding-DNA position 797, C replaced by A.
Protein change: p.Ala266Glu; replaces alanine 266 with glutamic acid.
Molecular consequence: missense variant.
Genome position (GRCh38, 1-based): chr4:4,863,028, C>A. VCF-style: chr4-4863028-C-A. GRCh37 (hg19) VCF-style: chr4-4864755-C-A.
Other names: short protein forms A266E.
Identifiers: ClinVar variation 3717769 (VCV003717769.2).